The following is an entry in ClinVar:

ClinVar aggregate classification (germline): Uncertain significance (1 of 4 stars; one submission).

Conditions:
Gastrointestinal stromal tumor. Also called: Gastrointestinal stromal tumor, somatic; Gastrointestinal stroma tumor. Identifiers: Orphanet 44890, MedGen C0238198, MeSH D046152, MONDO:0011719, OMIM 606764, HP:0100723.

Allele frequency attached by ClinVar (database versions not stated): gnomAD exomes below 0.00001.
gnomAD v4.1: 1 of 1,571,514 alleles (0.000064%); highest among the groups gnomAD compares: Non-Finnish European, 0.000088%; no homozygotes.

Submission:

Labcorp Genetics (formerly Invitae), Labcorp
Classification: Uncertain significance for Gastrointestinal stromal tumor. Last evaluated: 2023-11-17. Review status: criteria provided, single submitter. Criteria: Invitae Variant Classification Sherloc (09022015). Collection method: clinical testing. Allele origin: germline.
Comment: This sequence change replaces threonine, which is neutral and polar, with isoleucine, which is neutral and non-polar, at codon 322 of the KIT protein (p.Thr322Ile). This variant is not present in population databases (gnomAD no frequency). This variant has not been reported in the literature in individuals affected with KIT-related conditions. An algorithm developed to predict the effect of missense changes on protein structure and function (PolyPhen-2) suggests that this variant is likely to be disruptive. In summary, the available evidence is currently insufficient to determine the role of this variant in disease. Therefore, it has been classified as a Variant of Uncertain Significance.

NM_000222.3(KIT):c.965C>T (p.Thr322Ile)

Gene: KIT (KIT proto-oncogene, receptor tyrosine kinase; plus strand). Cytogenetic location: 4q12.
Variant type: single nucleotide variant.
Coding change: c.965C>T on transcript NM_000222.3 (MANE Select); coding-DNA position 965, C replaced by T.
Protein change: p.Thr322Ile; replaces threonine 322 with isoleucine.
Molecular consequence: missense variant.
Genome position (GRCh38, 1-based): chr4:54,707,137, C>T. VCF-style: chr4-54707137-C-T. GRCh37 (hg19) VCF-style: chr4-55573303-C-T.
Other names: c.965C>T, p.Thr322Ile (NM_001093772.2, NM_001385285.1, NM_001385286.1); c.968C>T, p.Thr323Ile (NM_001385284.1, NM_001385288.1, NM_001385290.1 and 1 more transcripts); short protein forms T322I, T323I.
Identifiers: ClinVar variation 2870615 (VCV002870615.3), dbSNP rs1720839223, ClinGen allele CA356900830.
Genomic context (GRCh38, chr4:54,707,137, plus strand): 5'-GTCTTATTTCATTCTAATTAGATAAAGGATTCATTAATATCTTCCCCATGATAAACACTA[C>T]AGTATTTGTAAACGATGGAGAAAATGTAGATTTGATTGTTGAATATGAAGCATTCCCCAA-3'
Protein context (NP_000213.1, residues 312-332): FINIFPMINT[Thr322Ile]VFVNDGENVD